The following is an entry in ClinVar:

ClinVar aggregate classification (germline): Uncertain significance (1 of 4 stars; one submission).

Conditions:
UTP4-related disorder. Also called: UTP4-related condition.

gnomAD v4.1: 17 of 1,614,038 alleles (0.0011%); highest among the groups gnomAD compares: Non-Finnish European, 0.0014%; no homozygotes.

Submission:

PreventionGenetics, part of Exact Sciences
Classification: Uncertain significance for UTP4-related condition. Last evaluated: 2025-12-30. Review status: criteria provided, single submitter. Criteria: ACMG Guidelines, 2015. Collection method: clinical testing. Allele origin: germline.
Comment: The UTP4 c.286G>C variant is predicted to result in the amino acid substitution p.Ala96Pro. To our knowledge, this variant has not been reported in the literature. This variant is reported in 0.0053% of alleles in individuals of European (Non-Finnish) descent in gnomAD. At this time, the clinical significance of this variant is uncertain due to the absence of conclusive functional and genetic evidence.

NM_032830.3(UTP4):c.286G>C (p.Ala96Pro)

Gene: UTP4 (UTP4 small subunit processome component). Cytogenetic location: 16q22.1.
Variant type: single nucleotide variant.
Coding change: c.286G>C on transcript NM_032830.3 (MANE Select); coding-DNA position 286, G replaced by C.
Protein change: p.Ala96Pro; replaces alanine 96 with proline.
Molecular consequence: missense variant.
Genome position (GRCh38, 1-based): chr16:69,136,822, G>C. VCF-style: chr16-69136822-G-C. GRCh37 (hg19) VCF-style: chr16-69170725-G-C.
Other names: c.37G>C, p.Ala13Pro (NM_001318391.2); short protein forms A96P, A13P.
Identifiers: ClinVar variation 4980388 (VCV004980388.1).